The following is an entry in ClinVar:

ClinVar aggregate classification (germline): Pathogenic (1 of 4 stars; one submission).

Conditions:
Autosomal recessive nonsyndromic hearing loss 2. Also called: NEUROSENSORY NONSYNDROMIC RECESSIVE DEAFNESS 2; DEAFNESS, AUTOSOMAL RECESSIVE 2. Identifiers: Orphanet 90636, MedGen C1838701, MONDO:0010807, OMIM 600060.

Submission:

Institute of Rare Diseases, West China Hospital, Sichuan University
Classification: Pathogenic for Autosomal recessive nonsyndromic hearing loss 2. Last evaluated: 2025-01-09. Review status: criteria provided, single submitter. Criteria: ClinGen HL ACMG Specifications v1. Collection method: research. Allele origin: germline. Affected: yes.
Comment: PVS1;PM3;PM2_Supporting

NM_000260.4(MYO7A):c.850-2A>T

Gene: MYO7A (myosin VIIA; plus strand). Cytogenetic location: 11q13.5.
Variant type: single nucleotide variant.
Coding change: c.850-2A>T on transcript NM_000260.4 (MANE Select); the canonical splice acceptor site of the intron before coding-DNA position 850, A replaced by T.
Molecular consequence: splice acceptor variant.
Genome position (GRCh38, 1-based): chr11:77,158,275, A>T. VCF-style: chr11-77158275-A-T. GRCh37 (hg19) VCF-style: chr11-76869321-A-T.
Other names: c.817-2A>T (NM_001369365.1); c.850-2A>T (NM_001127180.2).
Identifiers: ClinVar variation 3601508 (VCV003601508.1).